The following is an entry in ClinVar:

NM_014795.4(ZEB2):c.2043G>A (p.Val681=)

Gene: ZEB2 (zinc finger E-box binding homeobox 2; minus strand). Cytogenetic location: 2q22.3.
Variant type: single nucleotide variant.
Coding change: c.2043G>A on transcript NM_014795.4 (MANE Select); coding-DNA position 2043, G replaced by A.
Protein change: p.Val681=; no amino-acid change (valine 681 retained).
Molecular consequence: synonymous variant.
Genome position (GRCh38, 1-based): chr2:144,399,144, C>T on the plus strand (G>A on the coding strand, the complement: ZEB2 is on the minus strand). VCF-style: chr2-144399144-C-T. GRCh37 (hg19) VCF-style: chr2-145156711-C-T.
Other names: c.1971G>A, p.Val657= (NM_001171653.2).
Identifiers: ClinVar variation 1600563 (VCV001600563.32), dbSNP rs769391382, ClinGen allele CA1898279.

ClinVar aggregate classification (germline): Benign/Likely benign. Review status: criteria provided, multiple submitters, no conflicts (2 of 4 stars). 2 submissions from 2 submitters: Benign (1); Likely benign (1). Last evaluated 2024-10-28.

Conditions:
Mowat-Wilson syndrome (MOWS). Also called: Classic Mowat-Wilson Syndrome. Identifiers: Orphanet 2152, MedGen C1856113, MONDO:0009341, OMIM 235730.

Allele frequency attached by ClinVar (database versions not stated): gnomAD 0.00001; gnomAD exomes 0.00001 and 0.00002; TOPMed 0.00001; ExAC 0.00002.
gnomAD v4.1: 23 of 1,613,952 alleles (0.0014%); highest among the groups gnomAD compares: Non-Finnish European, 0.0015%; no homozygotes.

Submissions (2):

Labcorp Genetics (formerly Invitae), Labcorp
Classification: Benign for Mowat-Wilson syndrome. Last evaluated: 2024-10-28. Review status: criteria provided, single submitter. Criteria: Invitae Variant Classification Sherloc (09022015). Collection method: clinical testing. Allele origin: germline.

CeGaT Center for Human Genetics Tuebingen
Classification: Likely benign. Last evaluated: 2022-12-01. Review status: criteria provided, single submitter. Criteria: CeGaT Center For Human Genetics Tuebingen Variant Classification Criteria Version 2. Collection method: clinical testing. Allele origin: germline. Affected: yes. Observed: 1 variant allele.
Comment: ZEB2: BP4, BP7